The following is an entry in ClinVar:

NM_145207.3(AFG2A):c.125C>T (p.Thr42Ile)

Gene: AFG2A (AFG2 AAA ATPase homolog A; plus strand). Cytogenetic location: 4q28.1.
Variant type: single nucleotide variant.
Coding change: c.125C>T on transcript NM_145207.3 (MANE Select); coding-DNA position 125, C replaced by T.
Protein change: p.Thr42Ile; replaces threonine 42 with isoleucine.
Molecular consequence: missense variant.
Genome position (GRCh38, 1-based): chr4:122,923,267, C>T. VCF-style: chr4-122923267-C-T. GRCh37 (hg19) VCF-style: chr4-123844422-C-T.
Other names: c.125C>T, p.Thr42Ile (NM_001317799.2, NM_001345856.2); short protein forms T42I.
Identifiers: ClinVar variation 2110636 (VCV002110636.2), dbSNP rs1442688086, ClinGen allele CA358097374.
Genomic context (GRCh38, chr4:122,923,267, plus strand): 5'-CTGCTGCTTCCTCTTGTGCGGAGGCACGGGCTCCTTCTGCTGGATCAGACTTCGCGGCAA[C>T]CTCCGGGACTCTGACGGTGACCAACTTATTAGAAAAGGGTAAAGAATTCCGGGTGGGAGA-3'
Protein context (NP_660208.2, residues 32-52): APSAGSDFAA[Thr42Ile]SGTLTVTNLL

ClinVar aggregate classification (germline): Uncertain significance (1 of 4 stars; one submission).

Conditions:
Microcephaly-intellectual disability-sensorineural hearing loss-epilepsy-abnormal muscle tone syndrome (NEDHSB). Also called: NEURODEVELOPMENTAL DISORDER WITH HEARING LOSS, SEIZURES, AND BRAIN ABNORMALITIES. Identifiers: Orphanet 457351, MedGen C4225276, MONDO:0014698, OMIM 616577.

gnomAD v4.1: 1 of 1,614,154 alleles (0.000062%); highest among the groups gnomAD compares: Admixed American, 0.0017%; no homozygotes.

Submission:

Labcorp Genetics (formerly Invitae), Labcorp
Classification: Uncertain significance for Microcephaly-intellectual disability-sensorineural hearing loss-epilepsy-abnormal muscle tone syndrome. Last evaluated: 2022-06-16. Review status: criteria provided, single submitter. Criteria: Invitae Variant Classification Sherloc (09022015). Collection method: clinical testing. Allele origin: germline.
Comment: This variant is present in population databases (no rsID available, gnomAD 0.003%). This sequence change replaces threonine, which is neutral and polar, with isoleucine, which is neutral and non-polar, at codon 42 of the SPATA5 protein (p.Thr42Ile). This variant has not been reported in the literature in individuals affected with SPATA5-related conditions. Advanced modeling of protein sequence and biophysical properties (such as structural, functional, and spatial information, amino acid conservation, physicochemical variation, residue mobility, and thermodynamic stability) performed at Invitae indicates that this missense variant is not expected to disrupt SPATA5 protein function. In summary, the available evidence is currently insufficient to determine the role of this variant in disease. Therefore, it has been classified as a Variant of Uncertain Significance.